The following is an entry in ClinVar:

ClinVar aggregate classification (germline): Likely pathogenic (1 of 4 stars; one submission).

Conditions:
Microcephaly 17, primary, autosomal recessive (MCPH17). Identifiers: Orphanet 2512, MedGen C4310723, MONDO:0014908, OMIM 617090.

Allele frequency attached by ClinVar (database versions not stated): gnomAD exomes below 0.00001; TOPMed below 0.00001.
gnomAD v4.1: 2 of 1,614,028 alleles (0.00012%); highest among the groups gnomAD compares: Admixed American, 0.0017%; no homozygotes.

Submission:

Neuberg Centre For Genomic Medicine, NCGM
Classification: Likely pathogenic for Microcephaly 17, primary, autosomal recessive. Review status: criteria provided, single submitter. Criteria: ACMG Guidelines, 2015. Collection method: clinical testing. Allele origin: germline. Inheritance: Autosomal recessive inheritance. Affected: yes.
Comment: The stop gained c.1555C>Tp.Arg519Ter variant in CIT gene has not been reported previously as a pathogenic variant nor as a benign variant, to our knowledge. This variant is novel not in any individuals in gnomAD Exomes and 1000 Genomes. This variant is predicted to cause loss of normal protein function either through protein truncation or nonsense-mediated mRNA decay. Loss of function variants have been previously reported to be disease causing. For these reasons, this variant has been classified as Likely Pathogenic.

NM_001206999.2(CIT):c.1555C>T (p.Arg519Ter)

Gene: CIT (citron rho-interacting serine/threonine kinase; minus strand). Cytogenetic location: 12q24.23.
Variant type: single nucleotide variant.
Coding change: c.1555C>T on transcript NM_001206999.2 (MANE Select); coding-DNA position 1555, C replaced by T.
Protein change: p.Arg519Ter; replaces arginine 519 with a stop codon.
Molecular consequence: nonsense.
Genome position (GRCh38, 1-based): chr12:119,782,628, G>A on the plus strand (C>T on the coding strand, the complement: CIT is on the minus strand). VCF-style: chr12-119782628-G-A. GRCh37 (hg19) VCF-style: chr12-120220432-G-A.
Other names: c.1555C>T, p.Arg519Ter (NM_007174.3); short protein forms R519*.
Identifiers: ClinVar variation 3234970 (VCV003234970.1), dbSNP rs1964403206, ClinGen allele CA386546927.